The following is an entry in ClinVar:

ClinVar aggregate classification (germline): Uncertain significance (1 of 4 stars; one submission).

gnomAD v4.1: 2 of 1,614,238 alleles (0.00012%); highest among the groups gnomAD compares: Non-Finnish European, 0.00017%; no homozygotes.

Submission:

GeneDx
Classification: Uncertain significance. Last evaluated: 2017-10-30. Review status: criteria provided, single submitter. Criteria: GeneDx Variant Classification (06012015). Collection method: clinical testing. Allele origin: germline. Affected: yes.
Comment: The R158L variant in the EDN3 gene has not been reported previously as a pathogenic variant, nor as a benign variant, to our knowledge. The R158L variant is not observed in large population cohorts (Lek et al., 2016). The R158L variant is a non-conservative amino acid substitution, which is likely to impact secondary protein structure as these residues differ in polarity, charge, size and/or other properties. This substitution occurs at a position that is conserved across species. In silico analysis predicts this variant is probably damaging to the protein structure/function. We interpret R158L as a variant of uncertain significance.

NM_207034.3(EDN3):c.473G>T (p.Arg158Leu)

Gene: EDN3 (endothelin 3; plus strand). Cytogenetic location: 20q13.32.
Variant type: single nucleotide variant.
Coding change: c.473G>T on transcript NM_207034.3 (MANE Select); coding-DNA position 473, G replaced by T.
Protein change: p.Arg158Leu; replaces arginine 158 with leucine.
Molecular consequence: missense variant.
Genome position (GRCh38, 1-based): chr20:59,321,124, G>T. VCF-style: chr20-59321124-G-T. GRCh37 (hg19) VCF-style: chr20-57896179-G-T.
Other names: c.473G>T, p.Arg158Leu (NM_001302455.2, NM_001302456.2, NM_207032.3 and 1 more transcripts); short protein forms R158L.
Identifiers: ClinVar variation 453153 (VCV000453153.2), dbSNP rs1329097336, ClinGen allele CA409708466.